The following is an entry in ClinVar:

ClinVar aggregate classification (germline): Uncertain significance. Review status: criteria provided, multiple submitters, no conflicts (2 of 4 stars). 2 submissions from 2 submitters: Uncertain significance (2). Last evaluated 2024-09-06.

Allele frequency attached by ClinVar (database versions not stated): gnomAD exomes below 0.00001.
gnomAD v4.1: 2 of 1,612,880 alleles (0.00012%); highest among the groups gnomAD compares: Non-Finnish European, 0.00017%; no homozygotes.

Submissions (2):

GeneDx
Classification: Uncertain significance. Last evaluated: 2024-09-06. Review status: criteria provided, single submitter. Criteria: GeneDx Variant Classification Process June 2021. Collection method: clinical testing. Allele origin: germline. Affected: yes.
Comment: Not observed at significant frequency in large population cohorts (gnomAD); In silico analysis supports that this missense variant has a deleterious effect on protein structure/function; Has not been previously published as pathogenic or benign to our knowledge

Labcorp Genetics (formerly Invitae), Labcorp
Classification: Uncertain significance. Last evaluated: 2023-12-30. Review status: criteria provided, single submitter. Criteria: Invitae Variant Classification Sherloc (09022015). Collection method: clinical testing. Allele origin: germline.
Comment: This sequence change replaces phenylalanine, which is neutral and non-polar, with serine, which is neutral and polar, at codon 250 of the PYCR1 protein (p.Phe250Ser). This variant is not present in population databases (gnomAD no frequency). This variant has not been reported in the literature in individuals affected with PYCR1-related conditions. Advanced modeling of protein sequence and biophysical properties (such as structural, functional, and spatial information, amino acid conservation, physicochemical variation, residue mobility, and thermodynamic stability) performed at Invitae indicates that this missense variant is expected to disrupt PYCR1 protein function with a positive predictive value of 80%. In summary, the available evidence is currently insufficient to determine the role of this variant in disease. Therefore, it has been classified as a Variant of Uncertain Significance.

NM_006907.4(PYCR1):c.749T>C (p.Phe250Ser)

Gene: PYCR1 (pyrroline-5-carboxylate reductase 1; minus strand). Cytogenetic location: 17q25.3.
Variant type: single nucleotide variant.
Coding change: c.749T>C on transcript NM_006907.4 (MANE Select); coding-DNA position 749, T replaced by C.
Protein change: p.Phe250Ser; replaces phenylalanine 250 with serine.
Molecular consequence: missense variant. On other transcripts: intron variant (1).
Genome position (GRCh38, 1-based): chr17:81,934,374, A>G on the plus strand (T>C on the coding strand, the complement: PYCR1 is on the minus strand). VCF-style: chr17-81934374-A-G. GRCh37 (hg19) VCF-style: chr17-79892250-A-G.
Other names: c.749T>C (NM_006907.2); c.656T>C, p.Phe219Ser (NM_001282279.2); c.749T>C, p.Phe250Ser (NM_001282280.2, NM_153824.3); c.830T>C, p.Phe277Ser (NM_001282281.2); c.633+279T>C (NM_001330523.2); short protein forms F277S, F250S, F219S.
Identifiers: ClinVar variation 2795734 (VCV002795734.4), dbSNP rs2510114563, ClinGen allele CA401537013.
Genomic context (GRCh38, chr17:81,934,374, plus strand): 5'-GCGGGGGCCCACCGTGTGCGGATGCAGGAGGCCTCCACAGCGTTGATGAGCAGGGAGCGG[A>G]AGCCCCCACTCTCCAGCACATGCAAGGCATGGATGGTGGCCCCACCAGGAGAGCTGACGT-3'
Protein context (NP_008838.2, residues 240-260): HALHVLESGG[Phe250Ser]RSLLINAVEA